The following is an entry in ClinVar:

ClinVar aggregate classification (germline): Uncertain significance (1 of 4 stars; one submission).

Allele frequency attached by ClinVar (database versions not stated): gnomAD exomes below 0.00001.
gnomAD v4.1: 2 of 1,614,158 alleles (0.00012%); highest among the groups gnomAD compares: Admixed American, 0.0017%; no homozygotes.

Submission:

Labcorp Genetics (formerly Invitae), Labcorp
Classification: Uncertain significance. Last evaluated: 2022-06-28. Review status: criteria provided, single submitter. Criteria: Invitae Variant Classification Sherloc (09022015). Collection method: clinical testing. Allele origin: germline.
Comment: In summary, the available evidence is currently insufficient to determine the role of this variant in disease. Therefore, it has been classified as a Variant of Uncertain Significance. Algorithms developed to predict the effect of missense changes on protein structure and function are either unavailable or do not agree on the potential impact of this missense change (SIFT: "Deleterious"; PolyPhen-2: "Probably Damaging"; Align-GVGD: "Class C0"). This variant has not been reported in the literature in individuals affected with ARHGAP31-related conditions. This variant is present in population databases (no rsID available, gnomAD 0.003%). This sequence change replaces isoleucine, which is neutral and non-polar, with valine, which is neutral and non-polar, at codon 45 of the ARHGAP31 protein (p.Ile45Val).

NM_020754.4(ARHGAP31):c.133A>G (p.Ile45Val)

Gene: ARHGAP31 (Rho GTPase activating protein 31; plus strand). Cytogenetic location: 3q13.33.
Variant type: single nucleotide variant.
Coding change: c.133A>G on transcript NM_020754.4 (MANE Select); coding-DNA position 133, A replaced by G.
Protein change: p.Ile45Val; replaces isoleucine 45 with valine.
Molecular consequence: missense variant.
Genome position (GRCh38, 1-based): chr3:119,365,348, A>G. VCF-style: chr3-119365348-A-G. GRCh37 (hg19) VCF-style: chr3-119084195-A-G.
Other names: short protein forms I45V.
Identifiers: ClinVar variation 2022216 (VCV002022216.4), dbSNP rs1483053797, ClinGen allele CA354349413.